The following is an entry in ClinVar:

ClinVar aggregate classification (germline): Uncertain significance (1 of 4 stars; one submission).

Conditions:
Early-infantile DEE. Also called: Early infantile epileptic encephalopathy with suppression bursts; Early infantile epileptic encephalopathy; Ohtahara syndrome. Identifiers: Orphanet 1934, MedGen C0393706, MONDO:0800491.

Submission:

Labcorp Genetics (formerly Invitae), Labcorp
Classification: Uncertain significance for Early-infantile DEE. Last evaluated: 2022-01-17. Review status: criteria provided, single submitter. Criteria: Invitae Variant Classification Sherloc (09022015). Collection method: clinical testing. Allele origin: germline.
Comment: In summary, the available evidence is currently insufficient to determine the role of this variant in disease. Therefore, it has been classified as a Variant of Uncertain Significance. Algorithms developed to predict the effect of missense changes on protein structure and function are either unavailable or do not agree on the potential impact of this missense change (SIFT: "Deleterious"; PolyPhen-2: "Probably Damaging"; Align-GVGD: "Class C0"). This variant has not been reported in the literature in individuals affected with KCNH5-related conditions. This variant is not present in population databases (gnomAD no frequency). This sequence change replaces asparagine, which is neutral and polar, with tyrosine, which is neutral and polar, at codon 243 of the KCNH5 protein (p.Asn243Tyr).

NM_139318.5(KCNH5):c.727A>T (p.Asn243Tyr)

Gene: KCNH5 (potassium voltage-gated channel subfamily H member 5; minus strand). Cytogenetic location: 14q23.2.
Variant type: single nucleotide variant.
Coding change: c.727A>T on transcript NM_139318.5 (MANE Select); coding-DNA position 727, A replaced by T.
Protein change: p.Asn243Tyr; replaces asparagine 243 with tyrosine.
Molecular consequence: missense variant.
Genome position (GRCh38, 1-based): chr14:62,981,087, T>A on the plus strand (A>T on the coding strand, the complement: KCNH5 is on the minus strand). VCF-style: chr14-62981087-T-A. GRCh37 (hg19) VCF-style: chr14-63447805-T-A.
Other names: c.727A>T, p.Asn243Tyr (NM_172375.3); short protein forms N243Y.
Identifiers: ClinVar variation 2188114 (VCV002188114.4), dbSNP rs2503044701, ClinGen allele CA390104265.
Genomic context (GRCh38, chr14:62,981,087, plus strand): 5'-CGATGTCAACCAGAAAAATAACGTCCACCACACTATCCAGTACCAGCCAGGCTATGTTGT[T>A]CTGCTTTGTTTTGAAGGAAACATTATAAGGAACCATAATGGCGGTGTAGAAGGTAAGAAT-3'
Protein context (NP_647479.2, residues 233-253): PYNVSFKTKQ[Asn243Tyr]NIAWLVLDSV